The following is an entry in ClinVar:

NM_021067.5(GINS1):c.85C>T (p.Leu29Phe)

Gene: GINS1 (GINS complex subunit 1; plus strand). Cytogenetic location: 20p11.21.
Variant type: single nucleotide variant.
Coding change: c.85C>T on transcript NM_021067.5 (MANE Select); coding-DNA position 85, C replaced by T.
Protein change: p.Leu29Phe; replaces leucine 29 with phenylalanine.
Molecular consequence: missense variant. On other transcripts: non-coding transcript variant (1), intron variant (1).
Genome position (GRCh38, 1-based): chr20:25,413,799, C>T. VCF-style: chr20-25413799-C-T. GRCh37 (hg19) VCF-style: chr20-25394435-C-T.
Other names: c.85C>T, p.Leu29Phe (NM_001410830.1); c.75+5904C>T (NM_001410831.1); short protein forms L29F.
Identifiers: ClinVar variation 3699489 (VCV003699489.2).

ClinVar aggregate classification (germline): Uncertain significance (1 of 4 stars; one submission).

Submission:

Labcorp Genetics (formerly Invitae), Labcorp
Classification: Uncertain significance. Last evaluated: 2024-11-04. Review status: criteria provided, single submitter. Criteria: Invitae Variant Classification Sherloc (09022015). Collection method: clinical testing. Allele origin: germline.
Comment: This sequence change replaces leucine, which is neutral and non-polar, with phenylalanine, which is neutral and non-polar, at codon 29 of the GINS1 protein (p.Leu29Phe). This variant is present in population databases (rs759903711, gnomAD 0.02%). This variant has not been reported in the literature in individuals affected with GINS1-related conditions. An algorithm developed to predict the effect of missense changes on protein structure and function (PolyPhen-2) suggests that this variant is likely to be disruptive. In summary, the available evidence is currently insufficient to determine the role of this variant in disease. Therefore, it has been classified as a Variant of Uncertain Significance.